The following is an entry in ClinVar:

ClinVar aggregate classification (germline): Likely pathogenic. Review status: criteria provided, single submitter (1 of 4 stars). 2 submissions from 2 submitters: Likely pathogenic (1). 1 of the submissions does not count toward it. Last evaluated 2025-06-05.

Conditions:
Cystic fibrosis (CF). Also called: MUCOVISCIDOSIS. Identifiers: Orphanet 586, MedGen C0010674, MONDO:0009061, OMIM 219700. Disease mechanism: loss of function.

Submissions (2):

Women's Health and Genetics/Laboratory Corporation of America, LabCorp
Classification: Likely pathogenic for Cystic fibrosis. Last evaluated: 2025-06-05. Review status: criteria provided, single submitter. Criteria: LabCorp Variant Classification Summary - May 2015. Collection method: clinical testing. Allele origin: germline.
Comment: Variant summary: CFTR c.2619+2T>A is located in a canonical splice-site and is predicted to affect mRNA splicing resulting in a significantly altered protein due to either exon skipping, shortening, or inclusion of intronic material. Variants that disrupt the consensus splice site are a relatively common cause of aberrant splicing and loss of CFTR function. Several computational tools predict a significant impact on normal splicing: Four predict the variant abolishes a 5' splicing donor site. However, these predictions have yet to be confirmed by functional studies. The variant was absent in 251258 control chromosomes. c.2619+2T>A has been observed in the compound heterozygous state in individuals affected with Cystic Fibrosis (Tzetis_1997, Shen_2022). These data indicate that the variant may be associated with disease. To our knowledge, no experimental evidence demonstrating an impact on protein function has been reported. This variant is also known as 2751+2T>A. The following publications have been ascertained in the context of this evaluation (PMID: 35858753, 11810271). ClinVar contains an entry for this variant (Variation ID: 53524). Based on the evidence outlined above, the variant was classified as likely pathogenic.

ClinVar Staff, National Center for Biotechnology Information (NCBI)
No classification provided. Condition: CFTR-related disorders. Review status: no classification provided. Collection method: literature only. Allele origin: germline. Affected: yes. Not counted in ClinVar's aggregate classification.

Literature cited by the submitters: PubMed 11810271 (cited by Women's Health and Genetics/Laboratory Corporation of America, LabCorp); PubMed 35858753 (cited by Women's Health and Genetics/Laboratory Corporation of America, LabCorp); PubMed 18456578 (cited by ClinVar Staff, National Center for Biotechnology Information (NCBI)).

NM_000492.4(CFTR):c.2619+2T>A

Gene: CFTR (CF transmembrane conductance regulator; plus strand). Cytogenetic location: 7q31.2.
Variant type: single nucleotide variant.
Coding change: c.2619+2T>A on transcript NM_000492.4 (MANE Select); the canonical splice donor site of the intron after coding-DNA position 2619, T replaced by A.
Molecular consequence: splice donor variant.
Genome position (GRCh38, 1-based): chr7:117,595,060, T>A. VCF-style: chr7-117595060-T-A. GRCh37 (hg19) VCF-style: chr7-117235114-T-A.
Identifiers: ClinVar variation 53524 (VCV000053524.2), dbSNP rs397508407, ClinGen allele CA326863.